The following is an entry in ClinVar:

NM_000548.5(TSC2):c.3131G>A (p.Arg1044Lys)

Gene: TSC2 (TSC complex subunit 2; plus strand). Cytogenetic location: 16p13.3.
Variant type: single nucleotide variant.
Coding change: c.3131G>A on transcript NM_000548.5 (MANE Select); coding-DNA position 3131, G replaced by A.
Protein change: p.Arg1044Lys; replaces arginine 1044 with lysine.
Molecular consequence: missense variant.
Genome position (GRCh38, 1-based): chr16:2,079,196, G>A. VCF-style: chr16-2079196-G-A. GRCh37 (hg19) VCF-style: chr16-2129197-G-A.
Other names: c.2999G>A, p.Arg1000Lys (NM_001077183.3, NM_001370404.1); c.3131G>A, p.Arg1044Lys (NM_001114382.3); c.2891G>A, p.Arg964Lys (NM_001318827.2); c.2855G>A, p.Arg952Lys (NM_001318829.2); c.2399G>A, p.Arg800Lys (NM_001318831.2); c.3032G>A, p.Arg1011Lys (NM_001318832.2); c.3002G>A, p.Arg1001Lys (NM_001363528.2, NM_001370405.1, NM_021055.3); short protein forms R1044K, R1011K, R952K, R1001K, R800K, R964K, R1000K.
Identifiers: ClinVar variation 65309 (VCV000065309.11), dbSNP rs397515302, ClinGen allele CA018596.

ClinVar aggregate classification (germline): Pathogenic. Review status: criteria provided, single submitter (1 of 4 stars). 2 submissions from 2 submitters: Pathogenic (1). 1 of the submissions does not count toward it. Last evaluated 2020-06-02.

Conditions:
Tuberous sclerosis syndrome (TSC). Also called: Tuberous Sclerosis Complex; Tuberous sclerosis. Identifiers: Orphanet 805, MedGen C0041341, MONDO:0001734.
Tuberous sclerosis 2 (TSC2). Identifiers: Orphanet 805, MedGen C1860707, MONDO:0013199, OMIM 613254.

Submissions (2):

Labcorp Genetics (formerly Invitae), Labcorp
Classification: Pathogenic for Tuberous sclerosis 2. Last evaluated: 2020-06-02. Review status: criteria provided, single submitter. Criteria: Invitae Variant Classification Sherloc (09022015). Collection method: clinical testing. Allele origin: germline.
Comment: Nucleotide substitutions within the consensus splice site are a relatively common cause of aberrant splicing (PMID: 17576681, 9536098). Algorithms developed to predict the effect of sequence changes on RNA splicing suggest that this variant may disrupt the consensus splice site, but this prediction has not been confirmed by published transcriptional studies. For these reasons, this variant has been classified as Pathogenic. Algorithms developed to predict the effect of missense changes on protein structure and function are either unavailable or do not agree on the potential impact of this missense change (SIFT: "Deleterious"; PolyPhen-2: "Probably Damaging"; Align-GVGD: "Class C0"). This variant is not present in population databases (ExAC no frequency). This variant has been observed in individual(s) with clinical features of tuberous sclerosis (PMID: 21520333, Invitae). In at least one individual the variant was observed to be de novo. ClinVar contains an entry for this variant (Variation ID: 65309). This sequence change replaces arginine with lysine at codon 1044 of the TSC2 protein (p.Arg1044Lys). The arginine residue is highly conserved and there is a small physicochemical difference between arginine and lysine. This variant also falls at the last nucleotide of exon 27 of the TSC2 coding sequence, which is part of the consensus splice site for this exon.

Tuberous sclerosis database (TSC2)
No classification provided. Condition: TSC. Review status: no classification provided. Criteria: Tuberous Sclerosis Database Assertion Criteria 2015. Collection method: curation. Allele origin: germline. Affected: yes. Not counted in ClinVar's aggregate classification.

Literature cited by the submitters: PubMed 17576681 (cited by Labcorp Genetics (formerly Invitae), Labcorp); PubMed 9536098 (cited by Labcorp Genetics (formerly Invitae), Labcorp); PubMed 21520333 (cited by Labcorp Genetics (formerly Invitae), Labcorp).